The following is an entry in ClinVar:

ClinVar aggregate classification (germline): Uncertain significance. Review status: criteria provided, multiple submitters, no conflicts (2 of 4 stars). 2 submissions from 2 submitters: Uncertain significance (2). Last evaluated 2021-10-14.

Conditions:
Hyperammonemia, type III (NAGSD). Also called: Hyperammonemia due to N-acetylglutamate synthase deficiency. Identifiers: Orphanet 927, MedGen C0268543, MONDO:0009377, OMIM 237310.

Submissions (2):

Labcorp Genetics (formerly Invitae), Labcorp
Classification: Uncertain significance for Hyperammonemia, type III. Last evaluated: 2021-10-14. Review status: criteria provided, single submitter. Criteria: Invitae Variant Classification Sherloc (09022015). Collection method: clinical testing. Allele origin: germline.
Comment: This sequence change replaces valine with methionine at codon 241 of the NAGS protein (p.Val241Met). The valine residue is highly conserved and there is a small physicochemical difference between valine and methionine. This variant is not present in population databases (ExAC no frequency). This missense change has been observed in individual(s) with clinical features of NAGS deficiency (Invitae). ClinVar contains an entry for this variant (Variation ID: 891156). Algorithms developed to predict the effect of missense changes on protein structure and function are either unavailable or do not agree on the potential impact of this missense change (SIFT: "Deleterious"; PolyPhen-2: "Possibly Damaging"; Align-GVGD: "Class C15"). In summary, the available evidence is currently insufficient to determine the role of this variant in disease. Therefore, it has been classified as a Variant of Uncertain Significance.

Illumina Laboratory Services, Illumina
Classification: Uncertain significance for Hyperammonemia, type III. Last evaluated: 2018-01-12. Review status: criteria provided, single submitter. Criteria: ICSL Variant Classification Criteria 13 December 2019. Collection method: clinical testing. Allele origin: germline.

NM_153006.3(NAGS):c.721G>A (p.Val241Met)

Gene: NAGS (N-acetylglutamate synthase; plus strand). Cytogenetic location: 17q21.31.
Variant type: single nucleotide variant.
Coding change: c.721G>A on transcript NM_153006.3 (MANE Select); coding-DNA position 721, G replaced by A.
Protein change: p.Val241Met; replaces valine 241 with methionine.
Molecular consequence: missense variant.
Genome position (GRCh38, 1-based): chr17:44,006,043, G>A. VCF-style: chr17-44006043-G-A. GRCh37 (hg19) VCF-style: chr17-42083411-G-A.
Other names: short protein forms V241M.
Identifiers: ClinVar variation 891156 (VCV000891156.8), dbSNP rs899402990, ClinGen allele CA399725343.